The following is an entry in ClinVar:

NM_005228.5(EGFR):c.2687A>G (p.Asp896Gly)

Gene: EGFR (epidermal growth factor receptor; plus strand). Cytogenetic location: 7p11.2.
Variant type: single nucleotide variant.
Coding change: c.2687A>G on transcript NM_005228.5 (MANE Select); coding-DNA position 2687, A replaced by G.
Protein change: p.Asp896Gly; replaces aspartic acid 896 with glycine.
Molecular consequence: missense variant.
Genome position (GRCh38, 1-based): chr7:55,192,827, A>G. VCF-style: chr7-55192827-A-G. GRCh37 (hg19) VCF-style: chr7-55260520-A-G.
Other names: c.2552A>G, p.Asp851Gly (NM_001346897.2, NM_001346899.2); c.2687A>G, p.Asp896Gly (NM_001346898.2); c.2528A>G, p.Asp843Gly (NM_001346900.2); c.1886A>G, p.Asp629Gly (NM_001346941.2); short protein forms D629G, D843G, D851G, D896G.
Identifiers: ClinVar variation 4247293 (VCV004247293.1).
Genomic context (GRCh38, chr7:55,192,827, plus strand): 5'-TGCCTATCAAGTGGATGGCATTGGAATCAATTTTACACAGAATCTATACCCACCAGAGTG[A>G]TGTCTGGAGCTACGGTGAGTCATAATCCTGATGCTAATGAGTTTGTACTGAGGCCAAGCT-3'
Protein context (NP_005219.2, residues 886-906): ILHRIYTHQS[Asp896Gly]VWSYGVTVWE

ClinVar aggregate classification (germline): Uncertain significance (1 of 4 stars; one submission).

Conditions:
Hereditary cancer-predisposing syndrome. Also called: Hereditary Cancer Syndrome; Hereditary neoplastic syndrome; Neoplastic Syndromes, Hereditary; Tumor predisposition. Identifiers: Orphanet 140162, MedGen C0027672, MeSH D009386, MONDO:0015356.

Submission:

Ambry Genetics
Classification: Uncertain significance for Hereditary cancer-predisposing syndrome. Last evaluated: 2025-07-03. Review status: criteria provided, single submitter. Criteria: Ambry Variant Classification Scheme 2023. Collection method: clinical testing. Allele origin: germline.
Comment: The p.D896G variant (also known as c.2687A>G), located in coding exon 22 of the EGFR gene, results from an A to G substitution at nucleotide position 2687. The aspartic acid at codon 896 is replaced by glycine, an amino acid with similar properties. This amino acid position is conserved. In addition, this alteration is predicted to be deleterious by in silico analysis. Based on the available evidence, the clinical significance of this variant remains unclear.